The following is an entry in ClinVar:

NM_001256545.2(MEGF10):c.3189G>A (p.Glu1063=)

Gene: MEGF10 (multiple EGF like domains 10; plus strand). Cytogenetic location: 5q23.2.
Variant type: single nucleotide variant.
Coding change: c.3189G>A on transcript NM_001256545.2 (MANE Select); coding-DNA position 3189, G replaced by A.
Protein change: p.Glu1063=; no amino-acid change (glutamic acid 1063 retained).
Molecular consequence: synonymous variant.
Genome position (GRCh38, 1-based): chr5:127,455,564, G>A. VCF-style: chr5-127455564-G-A. GRCh37 (hg19) VCF-style: chr5-126791256-G-A.
Other names: p.Glu1063=; c.3189G>A, p.Glu1063= (NM_032446.3).
Identifiers: ClinVar variation 380909 (VCV000380909.27), dbSNP rs56157640, ClinGen allele CA3392154.

ClinVar aggregate classification (germline): Benign/Likely benign. Review status: criteria provided, multiple submitters, no conflicts (2 of 4 stars). 8 submissions from 8 submitters: Benign (5); Likely benign (3). Last evaluated 2026-02-01.

Conditions:
MEGF10-related myopathy (CMYO10A). Also called: Congenital myopathy 10A, severe variant. Identifiers: Orphanet 439212, MedGen C3280679, MONDO:0013731, OMIM 614399.

Allele frequency attached by ClinVar (database versions not stated): ESP Exome Variant Server 0.01361; TOPMed 0.01527; gnomAD 0.01628 and 0.01867; gnomAD exomes 0.02655; ExAC 0.02665; 1000 Genomes Project 30x 0.03264; 1000 Genomes Project 0.03415.
gnomAD v4.1: 34,737 of 1,614,078 alleles (2.2%); highest among the groups gnomAD compares: South Asian, 6.7%; 602 homozygotes.

Submissions (8):

Labcorp Genetics (formerly Invitae), Labcorp
Classification: Benign for MEGF10-related myopathy. Last evaluated: 2026-02-01. Review status: criteria provided, single submitter. Criteria: Invitae Variant Classification Sherloc (09022015). Collection method: clinical testing. Allele origin: germline.

Blueprint Genetics
Classification: Likely benign. Last evaluated: 2024-11-25. Review status: criteria provided, single submitter. Criteria: ACMG Guidelines, 2015. Collection method: clinical testing. Allele origin: germline.

Athena Diagnostics
Classification: Benign. Last evaluated: 2024-03-12. Review status: criteria provided, single submitter. Criteria: Athena Diagnostics Criteria. Collection method: clinical testing. Allele origin: unknown.

Mayo Clinic Laboratories, Mayo Clinic
Classification: Benign. Last evaluated: 2018-03-01. Review status: criteria provided, single submitter. Criteria: ACMG Guidelines, 2015. Collection method: clinical testing. Allele origin: germline. Observed: 17 variant alleles.

Illumina Laboratory Services, Illumina
Classification: Likely benign for MEGF10-related myopathy. Last evaluated: 2018-01-13. Review status: criteria provided, single submitter. Criteria: ICSL Variant Classification Criteria 13 December 2019. Collection method: clinical testing. Allele origin: germline.
Comment: This variant was observed in the ICSL laboratory as part of a predisposition screen in an ostensibly healthy population. It had not been previously curated by ICSL or reported in the Human Gene Mutation Database (HGMD: prior to June 1st, 2018), and was therefore a candidate for classification through an automated scoring system. Utilizing variant allele frequency, disease prevalence and penetrance estimates, and inheritance mode, an automated score was calculated to assess if this variant is too frequent to cause the disease. Based on the score and internal cut-off values, a variant classified as likely benign is not then subjected to further curation. The score for this variant resulted in a classification of likely benign for this disease.

Laboratory for Molecular Medicine, Mass General Brigham Personalized Medicine
Classification: Benign. Last evaluated: 2016-03-29. Review status: criteria provided, single submitter. Criteria: LMM Criteria. Collection method: clinical testing. Allele origin: germline.
Comment: Variant identified in a genome or exome case(s) and assessed due to predicted null impact of the variant or pathogenic assertions in the literature or databases. Disclaimer: This variant has not undergone full assessment. The following are preliminary notes: 2.7% of total chromosomes in ExAC, 6.8% of S. Asian chromosomes

GeneDx
Classification: Benign. Last evaluated: 2016-03-10. Review status: criteria provided, single submitter. Criteria: GeneDx Variant Classification (06012015). Collection method: clinical testing. Allele origin: germline. Affected: yes.
Comment: This variant is considered likely benign or benign based on one or more of the following criteria: it is a conservative change, it occurs at a poorly conserved position in the protein, it is predicted to be benign by multiple in silico algorithms, and/or has population frequency not consistent with disease.

Breakthrough Genomics
Classification: Likely benign. Review status: criteria provided, single submitter. Criteria: ACMG Guidelines, 2015. Collection method: not provided. Allele origin: germline. Inheritance: Autosomal recessive inheritance. Affected: yes.